The following is an entry in ClinVar:

ClinVar aggregate classification (germline): Uncertain significance (1 of 4 stars; one submission).

Conditions:
Long QT syndrome (LQTS). Identifiers: MedGen C0023976, MeSH D008133, MONDO:0002442. Disease mechanism: loss of function. Inheritance: Various modes of inheritance.

Submission:

Labcorp Genetics (formerly Invitae), Labcorp
Classification: Uncertain significance for Long QT syndrome. Last evaluated: 2023-11-28. Review status: criteria provided, single submitter. Criteria: Invitae Variant Classification Sherloc (09022015). Collection method: clinical testing. Allele origin: germline.
Comment: This sequence change replaces proline, which is neutral and non-polar, with serine, which is neutral and polar, at codon 449 of the SNTA1 protein (p.Pro449Ser). This variant is not present in population databases (gnomAD no frequency). This variant has not been reported in the literature in individuals affected with SNTA1-related conditions. Advanced modeling of protein sequence and biophysical properties (such as structural, functional, and spatial information, amino acid conservation, physicochemical variation, residue mobility, and thermodynamic stability) performed at Invitae indicates that this missense variant is not expected to disrupt SNTA1 protein function with a negative predictive value of 80%. In summary, the available evidence is currently insufficient to determine the role of this variant in disease. Therefore, it has been classified as a Variant of Uncertain Significance.

NM_003098.3(SNTA1):c.1345C>T (p.Pro449Ser)

Gene: SNTA1 (syntrophin alpha 1; minus strand). Cytogenetic location: 20q11.21.
Variant type: single nucleotide variant.
Coding change: c.1345C>T on transcript NM_003098.3 (MANE Select); coding-DNA position 1345, C replaced by T.
Protein change: p.Pro449Ser; replaces proline 449 with serine.
Molecular consequence: missense variant. On other transcripts: synonymous variant (1).
Genome position (GRCh38, 1-based): chr20:33,408,781, G>A on the plus strand (C>T on the coding strand, the complement: SNTA1 is on the minus strand). VCF-style: chr20-33408781-G-A. GRCh37 (hg19) VCF-style: chr20-31996587-G-A.
Other names: c.1345C>T, p.Pro449Ser (NM_001424413.1); c.1377C>T, p.Ser459= (NM_001424414.1); short protein forms P449S.
Identifiers: ClinVar variation 3013971 (VCV003013971.3), dbSNP rs2515489957, ClinGen allele CA408630242.